The following is an entry in ClinVar:

NM_007294.4(BRCA1):c.5342A>T (p.Glu1781Val)

Gene: BRCA1 (BRCA1 DNA repair associated; minus strand). Cytogenetic location: 17q21.31.
Variant type: single nucleotide variant.
Coding change: c.5342A>T on transcript NM_007294.4 (MANE Select); coding-DNA position 5342, A replaced by T.
Protein change: p.Glu1781Val; replaces glutamic acid 1781 with valine.
Molecular consequence: missense variant. On other transcripts: non-coding transcript variant (1), intron variant (1).
Genome position (GRCh38, 1-based): chr17:43,049,185, T>A on the plus strand (A>T on the coding strand, the complement: BRCA1 is on the minus strand). VCF-style: chr17-43049185-T-A. GRCh37 (hg19) VCF-style: chr17-41201202-T-A.
Other names: c.5129A>T, p.Glu1710Val (NM_001407571.1, NM_001407894.1, NM_001407895.1 and 12 more transcripts); c.5408A>T, p.Glu1803Val (NM_001407581.1, NM_001407582.1); c.5405A>T, p.Glu1802Val (NM_001407583.1, NM_001407585.1, NM_001407587.1 and 1 more transcripts); c.5402A>T, p.Glu1801Val (NM_001407590.1, NM_001407591.1); c.5342A>T, p.Glu1781Val (NM_001407593.1, NM_001407594.1, NM_001407596.1 and 5 more transcripts); c.5339A>T, p.Glu1780Val (NM_001407617.1, NM_001407618.1, NM_001407619.1 and 14 more transcripts); c.5336A>T, p.Glu1779Val (NM_001407636.1, NM_001407637.1, NM_001407638.1 and 13 more transcripts); c.5333A>T, p.Glu1778Val (NM_001407644.1, NM_001407645.1); and 73 more; short protein forms E1734V, E1802V, E677V, E1781V, E1484V, E1627V, E1669V, E1709V.
Identifiers: ClinVar variation 868354 (VCV000868354.3), dbSNP rs2051094692, ClinGen allele CA10590779.

Conditions:
Breast-ovarian cancer, familial, susceptibility to, 1 (BROVCA1). Also called: BRCA1 Hereditary Breast and Ovarian Cancer; OVARIAN CANCER, SUSCEPTIBILITY TO. Identifiers: Orphanet 145, MedGen C2676676, MONDO:0011450, OMIM 604370. Disease mechanism: loss of function.

Submission:

Brotman Baty Institute, University of Washington
No classification provided (evidence only). Condition: Breast-ovarian cancer, familial 1. Review status: no classification provided. Collection method: in vitro. Allele origin: not applicable. Functional consequence: functionally_normal.
ClinVar note: "not provided" was previously submitted as the classification for the variant. However, the classification appeared to be based only on an observation of functional data so it was converted to no classification on 2025-07-30.